The following is an entry in ClinVar:

ClinVar aggregate classification (germline): Uncertain significance (1 of 4 stars; one submission).

Conditions:
Dyskeratosis congenita. Identifiers: Orphanet 1775, MedGen C0265965, MONDO:0015780.

Submission:

Ambry Genetics
Classification: Uncertain significance for Dyskeratosis congenita. Last evaluated: 2022-04-10. Review status: criteria provided, single submitter. Criteria: Ambry Variant Classification Scheme 2023. Collection method: clinical testing. Allele origin: germline.
Comment: The p.A279P variant (also known as c.835G>C), located in coding exon 2 of the TERT gene, results from a G to C substitution at nucleotide position 835. The alanine at codon 279 is replaced by proline, an amino acid with highly similar properties. This amino acid position is conserved. In addition, the in silico prediction for this alteration is inconclusive. Since supporting evidence is limited at this time, the clinical significance of this alteration remains unclear.

NM_198253.3(TERT):c.835G>C (p.Ala279Pro)

Gene: TERT (telomerase reverse transcriptase; minus strand). Cytogenetic location: 5p15.33.
Variant type: single nucleotide variant.
Coding change: c.835G>C on transcript NM_198253.3 (MANE Select); coding-DNA position 835, G replaced by C.
Protein change: p.Ala279Pro; replaces alanine 279 with proline.
Molecular consequence: missense variant. On other transcripts: non-coding transcript variant (2).
Genome position (GRCh38, 1-based): chr5:1,294,051, C>G on the plus strand (G>C on the coding strand, the complement: TERT is on the minus strand). VCF-style: chr5-1294051-C-G. GRCh37 (hg19) VCF-style: chr5-1294166-C-G.
Other names: c.835G>C, p.Ala279Pro (NM_001193376.3, NM_003219.1); short protein forms A279P.
Identifiers: ClinVar variation 1763083 (VCV001763083.2), dbSNP rs61748181, ClinGen allele CA359056572.